The following is an entry in ClinVar:

ClinVar aggregate classification (germline): Benign/Likely benign. Review status: criteria provided, multiple submitters, no conflicts (2 of 4 stars). 6 submissions from 6 submitters: Benign (4); Likely benign (1). 1 of the submissions does not count toward it. Last evaluated 2026-02-01.

Conditions:
MBD5-related disorder. Also called: MBD5-related condition.
Inborn genetic diseases. Identifiers: MedGen C0950123, MeSH D030342.
Intellectual developmental disorder, autosomal dominant 1. Also called: Intellectual disability, autosomal dominant 1; MBD5 Haploinsufficiency. Identifiers: Orphanet 228402, MedGen C1969562, MONDO:0007974, OMIM 156200.

Allele frequency attached by ClinVar (database versions not stated): gnomAD 0.00001 and 0.00046; TOPMed 0.00008; gnomAD exomes 0.00076 and 0.00156; ExAC 0.00182; 1000 Genomes Project 30x 0.00187; 1000 Genomes Project 0.00200.

Submissions (6):

CeGaT Center for Human Genetics Tuebingen
Classification: Benign. Last evaluated: 2026-02-01. Review status: criteria provided, single submitter. Criteria: CeGaT Center For Human Genetics Tuebingen Variant Classification Criteria Version 2. Collection method: clinical testing. Allele origin: germline. Affected: yes. Observed: 4 variant alleles.
Comment: MBD5: BS1, BS2

Labcorp Genetics (formerly Invitae), Labcorp
Classification: Benign for Intellectual developmental disorder, autosomal dominant 1. Last evaluated: 2026-01-21. Review status: criteria provided, single submitter. Criteria: Invitae Variant Classification Sherloc (09022015). Collection method: clinical testing. Allele origin: germline.

Genetic Services Laboratory, University of Chicago
Classification: Likely benign. Last evaluated: 2017-02-16. Review status: criteria provided, single submitter. Criteria: ACMG Guidelines, 2015. Collection method: clinical testing. Allele origin: germline. Affected: no.

Ambry Genetics
Classification: Benign for Inborn genetic diseases. Last evaluated: 2017-02-10. Review status: criteria provided, single submitter. Criteria: Ambry Variant Classification Scheme 2023. Collection method: clinical testing. Allele origin: germline.

GeneDx
Classification: Benign. Last evaluated: 2016-06-23. Review status: criteria provided, single submitter. Criteria: GeneDx Variant Classification (06012015). Collection method: clinical testing. Allele origin: germline. Affected: yes.
Comment: This variant is considered likely benign or benign based on one or more of the following criteria: it is a conservative change, it occurs at a poorly conserved position in the protein, it is predicted to be benign by multiple in silico algorithms, and/or has population frequency not consistent with disease.

PreventionGenetics, part of Exact Sciences
Classification: Benign for MBD5-related condition. Last evaluated: 2019-06-13. Review status: no assertion criteria provided. Collection method: clinical testing. Allele origin: germline. Not counted in ClinVar's aggregate classification.
Comment: This variant is classified as benign based on ACMG/AMP sequence variant interpretation guidelines (Richards et al. 2015 PMID: 25741868, with internal and published modifications).

NM_001378120.1(MBD5):c.1111C>G (p.Gln371Glu)

Gene: MBD5 (methyl-CpG binding domain protein 5; plus strand). Cytogenetic location: 2q23.1.
Variant type: single nucleotide variant.
Coding change: c.1111C>G on transcript NM_001378120.1 (MANE Select); coding-DNA position 1111, C replaced by G.
Protein change: p.Gln371Glu; replaces glutamine 371 with glutamic acid.
Molecular consequence: missense variant.
Genome position (GRCh38, 1-based): chr2:148,469,054, C>G. VCF-style: chr2-148469054-C-G. GRCh37 (hg19) VCF-style: chr2-149226623-C-G.
Other names: p.Q371E:CAG>GAG; c.1111C>G, p.Gln371Glu (NM_018328.5); short protein forms Q371E.
Identifiers: ClinVar variation 206068 (VCV000206068.46), dbSNP rs536900412, ClinGen allele CA315792.